The following is an entry in ClinVar:

NM_001145358.2(SIN3A):c.751A>G (p.Ser251Gly)

Gene: SIN3A (SIN3 transcription regulator family member A; minus strand). Cytogenetic location: 15q24.2.
Variant type: single nucleotide variant.
Coding change: c.751A>G on transcript NM_001145358.2 (MANE Select); coding-DNA position 751, A replaced by G.
Protein change: p.Ser251Gly; replaces serine 251 with glycine.
Molecular consequence: missense variant.
Genome position (GRCh38, 1-based): chr15:75,412,768, T>C on the plus strand (A>G on the coding strand, the complement: SIN3A is on the minus strand). VCF-style: chr15-75412768-T-C. GRCh37 (hg19) VCF-style: chr15-75705109-T-C.
Other names: c.751A>G, p.Ser251Gly (NM_001145357.2, NM_001437462.1, NM_001437463.1 and 1 more transcripts); short protein forms S251G.
Identifiers: ClinVar variation 4885866 (VCV004885866.2).

ClinVar aggregate classification (germline): Uncertain significance (1 of 4 stars; one submission).

gnomAD v4.1: 4 of 1,576,972 alleles (0.00025%); highest among the groups gnomAD compares: Non-Finnish European, 0.00034%; no homozygotes.

Submission:

Dasa
Classification: Uncertain significance. Last evaluated: 2026-01-05. Review status: criteria provided, single submitter. Criteria: DASA Assertion Criteria. Collection method: clinical testing. Allele origin: germline.
Comment: NM_001145358.2(SIN3A):c.751A>G (p.Ser251Gly) is a missense variant that results in the substitution of serine with glycine. This variant is rare in population databases. Computational prediction algorithms are consistent with a benign effect. The currently available literature and clinical evidence are not sufficient to establish a definitive association between this variant and the reported condition. Therefore, this variant is classified as a variant of uncertain significance.